The following is an entry in ClinVar:

NM_174936.4(PCSK9):c.523+6A>T

Gene: PCSK9 (proprotein convertase subtilisin/kexin type 9; plus strand). Cytogenetic location: 1p32.3.
Variant type: single nucleotide variant.
Coding change: c.523+6A>T on transcript NM_174936.4 (MANE Select); 6 bases into the intron after coding-DNA position 523, A replaced by T.
Molecular consequence: intron variant.
Genome position (GRCh38, 1-based): chr1:55,046,652, A>T. VCF-style: chr1-55046652-A-T. GRCh37 (hg19) VCF-style: chr1-55512325-A-T.
Other names: c.148+6A>T (NM_001407246.1); c.646+6A>T (NM_001407240.1); c.523+6A>T (NM_001407242.1, NM_001407241.1, NM_001407244.1 and 1 more transcripts); c.466+6A>T (NM_001407243.1); c.331+6A>T (NM_001407245.1).
Identifiers: ClinVar variation 3070166 (VCV003070166.1), dbSNP rs1570296264, ClinGen allele CA2825000985.
Genomic context (GRCh38, chr1:55,046,652, plus strand): 5'-AACCTGGAGCGGATTACCCCTCCACGGTACCGGGCGGATGAATACCAGCCCCCCGGTAAG[A>T]CCCCCATCTGTGCCCTGCCCCACCCCATCTGAGCTGAATCCATTTGCTCTGCCCTGGCCT-3'

ClinVar aggregate classification (germline): Uncertain significance (1 of 4 stars; one submission).

Conditions:
Hypercholesterolemia, autosomal dominant, 3 (FHCL3). Also called: PCSK9-Related Familial Hypercholesterolemia, Autosomal Dominant; Familial Hypercholesterolemia, Autosomal Dominant, 3; Familial hypercholesterolemia 3. Identifiers: MedGen C1863551, MONDO:0011369, OMIM 603776.

Submission:

All of Us Research Program, National Institutes of Health
Classification: Uncertain significance for Hypercholesterolemia, autosomal dominant, 3. Last evaluated: 2023-04-03. Review status: criteria provided, single submitter. Criteria: ACMG Guidelines, 2015. Collection method: clinical testing. Allele origin: germline. Inheritance: Autosomal dominant inheritance. Observed: 1 variant allele, 1 heterozygote.
Comment: This variant causes an A to T nucleotide substitution at the +6 position of intron 3 of the PCSK9 gene. To our knowledge, functional studies have not been reported for this variant. This variant has not been reported in individuals affected with PCSK9-related disorders in the literature. This variant has not been identified in the general population by the Genome Aggregation Database (gnomAD). The available evidence is insufficient to determine the role of this variant in disease conclusively. Therefore, this variant is classified as a Variant of Uncertain Significance.

This study involves interpretation of variants in research participants for the purpose of population health screening. Participant phenotype was not available at the time of variant classification. Additional details can be found in publication PMID: 35346344, PMCID: PMC8962531